The following is an entry in ClinVar:

NM_020738.4(KIDINS220):c.3945C>T (p.His1315=)

Gene: KIDINS220 (kinase D interacting substrate 220; minus strand). Cytogenetic location: 2p25.1.
Variant type: single nucleotide variant.
Coding change: c.3945C>T on transcript NM_020738.4 (MANE Select); coding-DNA position 3945, C replaced by T.
Protein change: p.His1315=; no amino-acid change (histidine 1315 retained).
Molecular consequence: synonymous variant. On other transcripts: non-coding transcript variant (2).
Genome position (GRCh38, 1-based): chr2:8,733,552, G>A on the plus strand (C>T on the coding strand, the complement: KIDINS220 is on the minus strand). VCF-style: chr2-8733552-G-A. GRCh37 (hg19) VCF-style: chr2-8873682-G-A.
Other names: c.3945C>T (NM_020738.2); c.3948C>T, p.His1316= (NM_001348729.2); c.3891C>T, p.His1297= (NM_001348731.2); c.3888C>T, p.His1296= (NM_001348732.2, NM_001348738.2); c.3777C>T, p.His1259= (NM_001348734.2, NM_001348739.2, NM_001348740.2); c.3774C>T, p.His1258= (NM_001348735.2, NM_001348741.2, NM_001348742.2 and 1 more transcripts); c.3648C>T, p.His1216= (NM_001348736.2).
Identifiers: ClinVar variation 2181413 (VCV002181413.7), dbSNP rs550566809, ClinGen allele CA1519467.

ClinVar aggregate classification (germline): Benign/Likely benign. Review status: criteria provided, multiple submitters, no conflicts (2 of 4 stars). 3 submissions from 3 submitters: Benign (1); Likely benign (1). 1 of the submissions does not count toward it. Last evaluated 2026-08-01.

Conditions:
KIDINS220-related disorder. Also called: KIDINS220-related condition.

Allele frequency attached by ClinVar (database versions not stated): TOPMed 0.00002; gnomAD 0.00005; gnomAD exomes 0.00011; ExAC 0.00031; 1000 Genomes Project 30x 0.00078; 1000 Genomes Project 0.00100.
gnomAD v4.1: 180 of 1,614,138 alleles (0.011%); highest among the groups gnomAD compares: South Asian, 0.18%; 4 homozygotes.

Submissions (3):

CeGaT Center for Human Genetics Tuebingen
Classification: Likely benign. Last evaluated: 2026-08-01. Review status: criteria provided, single submitter. Criteria: CeGaT Center For Human Genetics Tuebingen Variant Classification Criteria Version 2. Collection method: clinical testing. Allele origin: germline. Affected: yes. Observed: 1 variant allele.
Comment: KIDINS220: BP4, BP7

Labcorp Genetics (formerly Invitae), Labcorp
Classification: Benign. Last evaluated: 2025-04-12. Review status: criteria provided, single submitter. Criteria: Invitae Variant Classification Sherloc (09022015). Collection method: clinical testing. Allele origin: germline.

PreventionGenetics, part of Exact Sciences
Classification: Likely benign for KIDINS220-related condition. Last evaluated: 2021-10-12. Review status: no assertion criteria provided. Collection method: clinical testing. Allele origin: germline. Not counted in ClinVar's aggregate classification.
Comment: This variant is classified as likely benign based on ACMG/AMP sequence variant interpretation guidelines (Richards et al. 2015 PMID: 25741868, with internal and published modifications).